The following is an entry in ClinVar:

NM_004415.4(DSP):c.300A>T (p.Gln100His)

Gene: DSP (desmoplakin; plus strand). Cytogenetic location: 6p24.3.
Variant type: single nucleotide variant.
Coding change: c.300A>T on transcript NM_004415.4 (MANE Select); coding-DNA position 300, A replaced by T.
Protein change: p.Gln100His; replaces glutamine 100 with histidine.
Molecular consequence: missense variant.
Genome position (GRCh38, 1-based): chr6:7,558,142, A>T. VCF-style: chr6-7558142-A-T. GRCh37 (hg19) VCF-style: chr6-7558375-A-T.
Other names: c.300A>T, p.Gln100His (NM_001008844.3, NM_001319034.2, NM_001406591.1); short protein forms Q100H.
Identifiers: ClinVar variation 3386613 (VCV003386613.3).

ClinVar aggregate classification (germline): Conflicting classifications of pathogenicity. Review status: criteria provided, conflicting classifications (1 of 4 stars). 3 submissions from 3 submitters: Uncertain significance (1); Likely benign (2). Last evaluated 2026-07-27.

Conditions:
Arrhythmogenic cardiomyopathy with wooly hair and keratoderma. Also called: Arrhythmogenic cardiomyopathy with woolly hair and keratoderma; PALMOPLANTAR KERATODERMA WITH LEFT VENTRICULAR CARDIOMYOPATHY AND WOOLLY HAIR; Carvajal syndrome; Dilated cardiomyopathy with woolly hair and keratoderma. Identifiers: Orphanet 65282, MedGen C1854063, MONDO:0011581, OMIM 605676.
Cardiomyopathy (CMYO). Also called: Cardiomyopathies. Identifiers: Orphanet 167848, MedGen C0878544, MONDO:0004994, HP:0001638. Inheritance: Various modes of inheritance.
Cardiovascular phenotype. Identifiers: MedGen CN230736.

gnomAD v4.1: 25 of 1,614,224 alleles (0.0015%); highest among the groups gnomAD compares: South Asian, 0.024%; no homozygotes.

Submissions (3):

Ambry Genetics
Classification: Uncertain significance for Cardiovascular phenotype. Last evaluated: 2026-07-27. Review status: criteria provided, single submitter. Criteria: Ambry Variant Classification Scheme 2023. Collection method: clinical testing. Allele origin: germline.
Comment: The p.Q100H variant (also known as c.300A>T), located in coding exon 3 of the DSP gene, results from an A to T substitution at nucleotide position 300. The glutamine at codon 100 is replaced by histidine, an amino acid with highly similar properties. This amino acid position is highly conserved in available vertebrate species. In addition, this alteration is predicted to be tolerated by in silico analysis. Based on the available evidence, the clinical significance of this variant remains unclear.

All of Us Research Program, National Institutes of Health
Classification: Likely benign for Arrhythmogenic cardiomyopathy with wooly hair and keratoderma. Last evaluated: 2024-07-20. Review status: criteria provided, single submitter. Criteria: ACMG Guidelines, 2015. Collection method: clinical testing. Allele origin: germline. Inheritance: Autosomal dominant inheritance. Observed: 1 variant allele, 1 heterozygote.
Comment: This study involves interpretation of variants in research participants for the purpose of population health screening. Participant phenotype was not available at the time of variant classification. Additional details can be found in publication PMID: 35346344, PMCID: PMC8962531

Color Diagnostics, LLC DBA Color Health
Classification: Likely benign for Cardiomyopathy. Last evaluated: 2024-07-10. Review status: criteria provided, single submitter. Criteria: ACMG Guidelines, 2015. Collection method: clinical testing. Allele origin: germline.